The following continues an entry in ClinVar:

NM_006361.6(HOXB13):c.251G>A (p.Gly84Glu)

Gene: HOXB13. ClinVar aggregate classification (germline): Pathogenic/Likely pathogenic; association. Pathogenic (16); Likely pathogenic (10).

Submissions 23 to 36 of 36:

GeneDx
Classification: Pathogenic. Last evaluated: 2020-03-25. Review status: criteria provided, single submitter. Criteria: GeneDx Variant Classification Process June 2021. Collection method: clinical testing. Allele origin: germline. Affected: yes.
Comment: Case control studies report that this variant is associated with prostate cancer with odds ratios ranging from 3.25 to 4.51 (Shang 2013, Huang 2014, Karlsson 2014, Cai 2015, Nyberg 2018); In silico analysis supports that this missense variant has a deleterious effect on protein structure/function; This variant is associated with the following publications: (PMID: 23099437, 23541221, 26517352, 26108461, 22853031, 24310616, 26638190, 27424772, 27625331, 30665703, 28265568, 25595936, 24148311, 23393222, 23292082, 22841674, 23475555, 23064873, 22781434, 23104005, 25629170, 22714738, 26289772, 26779768, 27004541, 23457453, 27034017, 26604137, 24722062, 23129385, 23396964, 27294245, 26931741, 26671023, 26803986, 25111073, 24026887, 23518396, 22236224, 27153395, 27902461, 27819754, 28050579, 28798948, 28790484, 28657667, 29181843, 28272408, 28186998, 29259341, 29236593, 28598379, 28442163, 30527799, 31137568, 30560549, 31556563, 30777372, 31980526, 32546843, 31948886, 27626483, 31589614, 33504652, 32830201)

Illumina Laboratory Services, Illumina
Classification: Pathogenic for Prostate cancer, hereditary, 9. Last evaluated: 2019-07-25. Review status: criteria provided, single submitter. Criteria: ICSLVariantClassificationCriteria RUGD 01 April 2020. Collection method: clinical testing. Allele origin: unknown.
Comment: The HOXB13 c.251G>A (p.Gly84Glu) variant is a missense variant that has been associated with an increased risk of prostate cancer. Ewing et al. (2012) first identified the p.Gly84Glu variant in a heterozygous state in 18 men from four families with familial prostate cancer. Subsequent large case-control studies and two meta-analysis studies demonstrated that the p.Gly84Glu variant was associated with a significantly increased prostate cancer susceptibility in variant carriers compared with non-carriers, with odds ratios ranging from 3.38-4.51, and was also significantly associated with early-onset, positive family history, and highly aggressive disease (Huang et al. 2014; Zhang et al. 2016). Carriers of the p.Gly84Glu variant were estimated to have a 33-60% lifetime risk of prostate cancer compared to the general population risk of 12% (Karlsson et al. 2014; Hoffman et al. 2015). The p.Gly84Glu variant is reported at a frequency of 0.007618 in the European (Finnish) population of the Genome Aggregation Database and has been identified as a founder variant in European ancestry (Xu et al. 2013). Based on the collective evidence and application of ACMG criteria, the p.Gly84Glu variant is classified as pathogenic for prostate cancer susceptibility.

University of Washington Department of Laboratory Medicine, University of Washington
Classification: Pathogenic for Prostate cancer susceptibility. Last evaluated: 2015-11-20. Review status: criteria provided, single submitter. Criteria: Shirts et al. (Genet Med 2016). Collection method: clinical testing. Allele origin: germline. Affected: no. Observed: 6 variant alleles. Clinical features observed: ovarian cancer, breast cancer, colon cancer.

Rady Children's Institute for Genomic Medicine, Rady Children's Hospital San Diego
Classification: Pathogenic for HOXB13-related disorders. Review status: criteria provided, single submitter. Criteria: ACMG Guidelines, 2015. Collection method: clinical testing. Allele origin: germline. Affected: yes.
Comment: This variant has been previously associated with increased risk for prostate cancer, breast cancer, colorectal cancer, bladder cancer, and leukemia (PMID: 22236224, 22853031, 23541221, 26108461, 26108461). Large prostate cancer case-control meta-analysis studies of this variant have reported odds ratios of 3.25-4.51 for prostate cancer (PMID: 22841674, 23518396, 24026887). Higher odds ratios were observed for early-onset, familial, and highly aggressive prostate cancer (PMID: 24026887). This variant has been reported to segregate with prostate cancer in multiple families (PMID: 22236224). It is present in the heterozygous state in the gnomAD population database at a frequency of 0.19% (528/280842) across all populations and at a frequency of 0.76% (191/25072) in the European Finnish population, suggesting that this variant is a founder mutation in this population. The c.251G>A (p.Gly84Glu) variant affects a highly conserved amino acid and is predicted by multiple in silico tools to have a deleterious effect on protein function. Based on the available evidence, the c.251G>A (p.Gly84Glu) variant is classified as Pathogenic.

University Health Network, Familial Cancer Clinic, Princess Margaret Cancer Centre
Classification: Pathogenic for Prostate cancer, hereditary, 9. Review status: criteria provided, single submitter. Criteria: ACMG Guidelines, 2015. Collection method: clinical testing. Allele origin: germline. Inheritance: Autosomal dominant inheritance. Affected: yes. Observed: 1 variant allele.

CZECANCA consortium
Classification: Likely pathogenic for Carcinoma of pancreas. Last evaluated: 2021-03-04. Review status: no assertion criteria provided. Collection method: case-control. Allele origin: germline. Affected: yes. Observed: 1 variant allele. Not counted in ClinVar's aggregate classification.

OMIM
Classification: Pathogenic for PROSTATE CANCER, HEREDITARY, 9. Last evaluated: 2018-10-23. Review status: no assertion criteria provided. Collection method: literature only. Allele origin: germline. Not counted in ClinVar's aggregate classification.

Clinical Genetics DNA and cytogenetics Diagnostics Lab, Erasmus MC, Erasmus Medical Center
Classification: Likely pathogenic. Review status: no assertion criteria provided. Collection method: clinical testing. Allele origin: germline. Affected: yes. Study: VKGL Data-share Consensus. Not counted in ClinVar's aggregate classification.

Diagnostic Laboratory, Department of Genetics, University Medical Center Groningen
Classification: Pathogenic. Review status: no assertion criteria provided. Collection method: clinical testing. Allele origin: germline. Affected: yes. Study: VKGL Data-share Consensus. Not counted in ClinVar's aggregate classification.

Genome Diagnostics Laboratory, Amsterdam University Medical Center
Classification: Pathogenic. Review status: no assertion criteria provided. Collection method: clinical testing. Allele origin: germline. Affected: yes. Study: VKGL Data-share Consensus. Not counted in ClinVar's aggregate classification.

Joint Genome Diagnostic Labs from Nijmegen and Maastricht, Radboudumc and MUMC+
Classification: Likely pathogenic. Review status: no assertion criteria provided. Collection method: clinical testing. Allele origin: germline. Affected: yes. Study: VKGL Data-share Consensus. Not counted in ClinVar's aggregate classification.

Laboratory of Diagnostic Genome Analysis, Leiden University Medical Center (LUMC)
Classification: Likely pathogenic. Review status: no assertion criteria provided. Collection method: clinical testing. Allele origin: germline. Affected: yes. Study: VKGL Data-share Consensus. Not counted in ClinVar's aggregate classification.

Clinical Genetics Laboratory, University Hospital Schleswig-Holstein
Classification: Uncertain significance for Prostate cancer, hereditary, 9. Last evaluated: 2021-06-24. Review status: flagged submission. Collection method: clinical testing. Allele origin: germline. Affected: yes. Not counted in ClinVar's aggregate classification.
ClinVar note: Reason: Outlier claim with insufficient supporting evidence

Department of Pediatric Oncology,  Hematology and Clinical Immunology, University Clinics Duesseldorf
Classification: Uncertain significance for Hereditary cancer-predisposing syndrome. Review status: flagged submission. Criteria: ACMG Guidelines, 2015. Collection method: research. Allele origin: paternal. Affected: yes. Observed: 1 heterozygote. Not counted in ClinVar's aggregate classification.
ClinVar note: Reason: Outlier claim with insufficient supporting evidence

Literature cited by the submitters: PubMed 23064873 (cited by 8 submitters); PubMed 22841674 (cited by 7 submitters); PubMed 26517352 (cited by 8 submitters); PubMed 23518396 (cited by 5 submitters); PubMed 24026887 (cited by 9 submitters); PubMed 27626483 (cited by 4 submitters); PubMed 32830201 (cited by Otogenetics and Center for Genomic Medicine, Rigshospitalet, Copenhagen University Hospital); PubMed 22236224 (cited by 8 submitters); PubMed 22714738 (cited by Otogenetics and Ambry Genetics); PubMed 33099213 (cited by Otogenetics); PubMed 15964834 (cited by Ambry Genetics); PubMed 17138648 (cited by Ambry Genetics and Center for Genomic Medicine, Rigshospitalet, Copenhagen University Hospital); PubMed 22781434 (cited by 3 submitters); PubMed 22853031 (cited by Ambry Genetics and Center for Genomic Medicine, Rigshospitalet, Copenhagen University Hospital); PubMed 23292082 (cited by Ambry Genetics and Quest Diagnostics Nichols Institute San Juan Capistrano); PubMed 23457453 (cited by Ambry Genetics and Mayo Clinic Laboratories, Mayo Clinic); PubMed 25206306 (cited by Ambry Genetics); PubMed 25629170 (cited by 3 submitters); PubMed 26108461 (cited by Ambry Genetics and Department of Pathology and Laboratory Medicine, Sinai Health System); PubMed 27153395 (cited by Ambry Genetics); PubMed 27424772 (cited by Ambry Genetics); PubMed 27902461 (cited by Ambry Genetics and Quest Diagnostics Nichols Institute San Juan Capistrano); PubMed 28798948 (cited by Ambry Genetics); PubMed 8756292 (cited by Ambry Genetics); PubMed 30527799 (cited by 3 submitters); PubMed 30560549 (cited by Quest Diagnostics Nichols Institute San Juan Capistrano and Mayo Clinic Laboratories, Mayo Clinic); PubMed 32546843 (cited by Quest Diagnostics Nichols Institute San Juan Capistrano and Center for Genomic Medicine, Rigshospitalet, Copenhagen University Hospital); PubMed 25595936 (cited by Institute for Genomic Medicine (IGM) Clinical Laboratory, Nationwide Children's Hospital); PubMed 26779768 (cited by Center for Genomic Medicine, Rigshospitalet, Copenhagen University Hospital and Department of Pathology and Laboratory Medicine, Sinai Health System); PubMed 28050579 (cited by Center for Genomic Medicine, Rigshospitalet, Copenhagen University Hospital and Mayo Clinic Laboratories, Mayo Clinic); PubMed 23396964 (cited by Department of Pathology and Laboratory Medicine, Sinai Health System); Hamosh, A. Personal Communication. 2018. Baltimore, Md. (cited by OMIM).